The following is an entry in ClinVar:

ClinVar aggregate classification (germline): Pathogenic. Review status: criteria provided, multiple submitters, no conflicts (2 of 4 stars). 2 submissions from 2 submitters: Pathogenic (2). Last evaluated 2025-08-08.

Conditions:
Birt-Hogg-Dube syndrome. Also called: Birt Hogg Dubé syndrome. Identifiers: Orphanet 122, MedGen C0346010, MONDO:0800444.
Hereditary cancer-predisposing syndrome. Also called: Hereditary neoplastic syndrome; Tumor predisposition; Hereditary Cancer Syndrome; Neoplastic Syndromes, Hereditary. Identifiers: Orphanet 140162, MedGen C0027672, MeSH D009386, MONDO:0015356.

Submissions (2):

Ambry Genetics
Classification: Pathogenic for Hereditary cancer-predisposing syndrome. Last evaluated: 2025-08-08. Review status: criteria provided, single submitter. Criteria: Ambry Variant Classification Scheme 2023. Collection method: clinical testing. Allele origin: germline.
Comment: The c.804delG pathogenic mutation, located in coding exon 5 of the FLCN gene, results from a deletion of one nucleotide at nucleotide position 804, causing a translational frameshift with a predicted alternate stop codon (p.L269*). This variant was reported in individual(s) with features consistent with Birt-Hogg-Dube syndrome (Ambry internal data). This variant is considered to be rare based on population cohorts in the Genome Aggregation Database (gnomAD). This alteration is expected to result in loss of function by premature protein truncation or nonsense-mediated mRNA decay. As such, this alteration is interpreted as a disease-causing mutation.

Labcorp Genetics (formerly Invitae), Labcorp
Classification: Pathogenic for Birt-Hogg-Dube syndrome. Last evaluated: 2021-12-02. Review status: criteria provided, single submitter. Criteria: Invitae Variant Classification Sherloc (09022015). Collection method: clinical testing. Allele origin: germline.
Comment: For these reasons, this variant has been classified as Pathogenic. ClinVar contains an entry for this variant (Variation ID: 575582). This variant has not been reported in the literature in individuals affected with FLCN-related conditions. This variant is not present in population databases (gnomAD no frequency). This sequence change creates a premature translational stop signal (p.Leu269*) in the FLCN gene. It is expected to result in an absent or disrupted protein product. Loss-of-function variants in FLCN are known to be pathogenic (PMID: 15852235).

Literature cited by the submitters: PubMed 15852235 (cited by Labcorp Genetics (formerly Invitae), Labcorp).

NM_144997.7(FLCN):c.804del (p.Arg268_Leu269insTer)

Gene: FLCN (folliculin; minus strand). Cytogenetic location: 17p11.2.
Variant type: Deletion.
Coding change: c.804del on transcript NM_144997.7 (MANE Select); coding-DNA position 804, one base deleted (G; older notation c.804delG).
Protein change: p.Arg268_Leu269insTer.
Molecular consequence: frameshift variant.
Genome position (GRCh38, 1-based): chr17:17,221,604, C deleted on the plus strand (G on the coding strand, the reverse complement: FLCN is on the minus strand); the first of 2 consecutive C bases (chr17:17,221,604-17,221,605); deleting either gives the same sequence. VCF-style (leftmost placement, unchanged base first): chr17-17221603-GC-G. GRCh37 (hg19) VCF-style: chr17-17124917-GC-G.
Other names: c.804del (LRG_325t1); c.858del, p.Arg286_Leu287insTer (NM_001353229.2); c.804del, p.Arg268_Leu269insTer (NM_001353230.2, NM_001353231.2, NM_144606.7).
Identifiers: ClinVar variation 575582 (VCV000575582.7), dbSNP rs1567816285, ClinGen allele CA891843885.